The following is an entry in ClinVar:

NM_004991.4(MECOM):c.3107G>A (p.Arg1036Gln)

Gene: MECOM (MDS1 and EVI1 complex locus; minus strand). Cytogenetic location: 3q26.2.
Variant type: single nucleotide variant.
Coding change: c.3107G>A on transcript NM_004991.4 (MANE Select); coding-DNA position 3107, G replaced by A.
Protein change: p.Arg1036Gln; replaces arginine 1036 with glutamine.
Molecular consequence: missense variant.
Genome position (GRCh38, 1-based): chr3:169,093,015, C>T on the plus strand (G>A on the coding strand, the complement: MECOM is on the minus strand). VCF-style: chr3-169093015-C-T. GRCh37 (hg19) VCF-style: chr3-168810803-C-T.
Other names: c.3107G>A (NM_004991.3); c.2738G>A, p.Arg913Gln (NM_001105077.4); c.2543G>A, p.Arg848Gln (NM_001105078.4, NM_001205194.2, NM_001366469.2 and 1 more transcripts); c.2519G>A, p.Arg840Gln (NM_001163999.2, NM_001366470.2); c.2516G>A, p.Arg839Gln (NM_001164000.2, NM_001366471.2, NM_001366472.2); c.3080G>A, p.Arg1027Gln (NM_001366466.2); c.2546G>A, p.Arg849Gln (NM_001366467.2, NM_001366468.2); c.2108G>A, p.Arg703Gln (NM_001366473.2); and 1 more; short protein forms R1027Q, R1036Q, R849Q, R840Q, R848Q, R515Q, R703Q, R913Q.
Identifiers: ClinVar variation 2874419 (VCV002874419.4), dbSNP rs756700169, ClinGen allele CA2695983.

ClinVar aggregate classification (germline): Uncertain significance. Review status: criteria provided, multiple submitters, no conflicts (2 of 4 stars). 2 submissions from 2 submitters: Uncertain significance (2). Last evaluated 2025-07-14.

Conditions:
Inborn genetic diseases. Identifiers: MedGen C0950123, MeSH D030342.

Allele frequency attached by ClinVar (database versions not stated): ExAC 0.00001; gnomAD exomes 0.00001; gnomAD 0.00002; TOPMed 0.00003.
gnomAD v4.1: 10 of 1,613,676 alleles (0.00062%); highest among the groups gnomAD compares: African/African-American, 0.004%; no homozygotes.

Submissions (2):

Labcorp Genetics (formerly Invitae), Labcorp
Classification: Uncertain significance. Last evaluated: 2025-07-14. Review status: criteria provided, single submitter. Criteria: Invitae Variant Classification Sherloc (09022015). Collection method: clinical testing. Allele origin: germline.
Comment: This sequence change replaces arginine, which is basic and polar, with glutamine, which is neutral and polar, at codon 848 of the MECOM protein (p.Arg848Gln). This variant is present in population databases (rs756700169, gnomAD 0.01%). This variant has not been reported in the literature in individuals affected with MECOM-related conditions. ClinVar contains an entry for this variant (Variation ID: 2874419). An algorithm developed to predict the effect of missense changes on protein structure and function (PolyPhen-2) suggests that this variant is likely to be disruptive. In summary, the available evidence is currently insufficient to determine the role of this variant in disease. Therefore, it has been classified as a Variant of Uncertain Significance.

Ambry Genetics
Classification: Uncertain significance for Inborn genetic diseases. Last evaluated: 2024-12-06. Review status: criteria provided, single submitter. Criteria: Ambry Variant Classification Scheme 2023. Collection method: clinical testing. Allele origin: germline.
Comment: The p.R1036Q variant (also known as c.3107G>A), located in coding exon 14 of the MECOM gene, results from a G to A substitution at nucleotide position 3107. The arginine at codon 1036 is replaced by glutamine, an amino acid with highly similar properties. This amino acid position is conserved. In addition, this alteration is predicted to be tolerated by in silico analysis. Based on the available evidence, the clinical significance of this variant remains unclear.